The following is an entry in ClinVar:

NM_001271.4(CHD2):c.5037A>T (p.Arg1679=)

Gene: CHD2 (chromodomain helicase DNA binding protein 2; plus strand). Cytogenetic location: 15q26.1.
Variant type: single nucleotide variant.
Coding change: c.5037A>T on transcript NM_001271.4 (MANE Select); coding-DNA position 5037, A replaced by T.
Protein change: p.Arg1679=; no amino-acid change (arginine 1679 retained).
Molecular consequence: synonymous variant.
Genome position (GRCh38, 1-based): chr15:93,020,142, A>T. VCF-style: chr15-93020142-A-T. GRCh37 (hg19) VCF-style: chr15-93563372-A-T.
Identifiers: ClinVar variation 2645728 (VCV002645728.24), dbSNP rs2505642048, ClinGen allele CA492687959.

ClinVar aggregate classification (germline): Likely benign (1 of 4 stars; one submission).

Allele frequency attached by ClinVar (database versions not stated): gnomAD exomes below 0.00001.
gnomAD v4.1: 1 of 1,614,124 alleles (0.000062%); highest among the groups gnomAD compares: Middle Eastern, 0.016%; no homozygotes.

Submission:

CeGaT Center for Human Genetics Tuebingen
Classification: Likely benign. Last evaluated: 2022-09-01. Review status: criteria provided, single submitter. Criteria: CeGaT Center For Human Genetics Tuebingen Variant Classification Criteria Version 2. Collection method: clinical testing. Allele origin: germline. Affected: yes. Observed: 1 variant allele.
Comment: CHD2: PM2:Supporting, BP4, BP7